The following is an entry in ClinVar:

ClinVar aggregate classification (germline): Uncertain significance (1 of 4 stars; one submission).

gnomAD v4.1: 1 of 1,537,040 alleles (0.000065%); highest among the groups gnomAD compares: Non-Finnish European, 0.000087%; no homozygotes.

Submission:

Labcorp Genetics (formerly Invitae), Labcorp
Classification: Uncertain significance. Last evaluated: 2025-05-27. Review status: criteria provided, single submitter. Criteria: Invitae Variant Classification Sherloc (09022015). Collection method: clinical testing. Allele origin: germline.
Comment: This sequence change replaces proline, which is neutral and non-polar, with threonine, which is neutral and polar, at codon 31 of the ITM2B protein (p.Pro31Thr). This variant is not present in population databases (gnomAD no frequency). This variant has not been reported in the literature in individuals affected with ITM2B-related conditions. An algorithm developed to predict the effect of missense changes on protein structure and function (PolyPhen-2) suggests that this variant is likely to be tolerated. In summary, the available evidence is currently insufficient to determine the role of this variant in disease. Therefore, it has been classified as a Variant of Uncertain Significance.

NM_021999.5(ITM2B):c.91C>A (p.Pro31Thr)

Gene: ITM2B (integral membrane protein 2B; plus strand). Cytogenetic location: 13q14.2.
Variant type: single nucleotide variant.
Coding change: c.91C>A on transcript NM_021999.5 (MANE Select); coding-DNA position 91, C replaced by A.
Protein change: p.Pro31Thr; replaces proline 31 with threonine.
Molecular consequence: missense variant.
Genome position (GRCh38, 1-based): chr13:48,233,451, C>A. VCF-style: chr13-48233451-C-A. GRCh37 (hg19) VCF-style: chr13-48807587-C-A.
Other names: short protein forms P31T.
Identifiers: ClinVar variation 4777130 (VCV004777130.1).